The following is an entry in ClinVar:

NM_000535.7(PMS2):c.2270A>G (p.Glu757Gly)

Gene: PMS2 (PMS1 homolog 2, mismatch repair system component; minus strand). Cytogenetic location: 7p22.1.
Variant type: single nucleotide variant.
Coding change: c.2270A>G on transcript NM_000535.7 (MANE Select); coding-DNA position 2270, A replaced by G.
Protein change: p.Glu757Gly; replaces glutamic acid 757 with glycine.
Molecular consequence: missense variant. On other transcripts: non-coding transcript variant (1).
Genome position (GRCh38, 1-based): chr7:5,978,601, T>C on the plus strand (A>G on the coding strand, the complement: PMS2 is on the minus strand). VCF-style: chr7-5978601-T-C. GRCh37 (hg19) VCF-style: chr7-6018232-T-C.
Other names: c.1865A>G, p.Glu622Gly (NM_001018040.1, NM_001322003.2, NM_001322004.2 and 15 more transcripts); c.2114A>G, p.Glu705Gly (NM_001322006.2, NM_001406870.1); c.1952A>G, p.Glu651Gly (NM_001322007.2, NM_001322008.2, NM_001406876.1 and 1 more transcripts); c.1709A>G, p.Glu570Gly (NM_001322010.2, NM_001406906.1, NM_001406907.1); c.1337A>G, p.Glu446Gly (NM_001322011.2, NM_001322012.2); c.1697A>G, p.Glu566Gly (NM_001322013.2, NM_001406908.1, NM_001406909.1); c.2270A>G, p.Glu757Gly (NM_001322014.2); c.1961A>G, p.Glu654Gly (NM_001322015.2, NM_001406875.1, NM_001406877.1 and 5 more transcripts); and 14 more; short protein forms E356G, E500G, E566G, E622G, E446G, E595G, E599G, E645G.
Identifiers: ClinVar variation 1788775 (VCV001788775.2), dbSNP rs1554294402, ClinGen allele CA366736430.
Genomic context (GRCh38, chr7:5,978,601, plus strand): 5'-GATTACAGACGTGAGCCACCACACCCAGCCGCTATAGTTCTAATTAATAACTTACCATTT[T>C]CATCGATAACAAAATCAAAGCCATTCTTTCTAAATATTTCCAGATTTTCTATCAGAACAG-3'
Protein context (NP_000526.2, residues 747-767): RKNGFDFVID[Glu757Gly]NAPVTERAKL

ClinVar aggregate classification (germline): Uncertain significance (1 of 4 stars; one submission).

Conditions:
Hereditary cancer-predisposing syndrome. Also called: Hereditary Cancer Syndrome; Hereditary neoplastic syndrome; Tumor predisposition; Neoplastic Syndromes, Hereditary. Identifiers: Orphanet 140162, MedGen C0027672, MeSH D009386, MONDO:0015356.

Submission:

Ambry Genetics
Classification: Uncertain significance for Hereditary cancer-predisposing syndrome. Last evaluated: 2019-05-13. Review status: criteria provided, single submitter. Criteria: Ambry Variant Classification Scheme 2023. Collection method: clinical testing. Allele origin: germline.
Comment: The p.E757G variant (also known as c.2270A>G), located in coding exon 13 of the PMS2 gene, results from an A to G substitution at nucleotide position 2270. The glutamic acid at codon 757 is replaced by glycine, an amino acid with similar properties. This amino acid position is highly conserved in available vertebrate species. In addition, the in silico prediction for this alteration is inconclusive. Since supporting evidence is limited at this time, the clinical significance of this alteration remains unclear.